The following is an entry in ClinVar:

NM_016239.4(MYO15A):c.5749T>C (p.Phe1917Leu)

Gene: MYO15A (myosin XVA; plus strand). Cytogenetic location: 17p11.2.
Variant type: single nucleotide variant.
Coding change: c.5749T>C on transcript NM_016239.4 (MANE Select); coding-DNA position 5749, T replaced by C.
Protein change: p.Phe1917Leu; replaces phenylalanine 1917 with leucine.
Molecular consequence: missense variant.
Genome position (GRCh38, 1-based): chr17:18,142,178, T>C. VCF-style: chr17-18142178-T-C. GRCh37 (hg19) VCF-style: chr17-18045492-T-C.
Other names: c.5749T>C (NM_016239.3); short protein forms F1917L.
Identifiers: ClinVar variation 2736086 (VCV002736086.4), dbSNP rs774280238, ClinGen allele CA8424383.

ClinVar aggregate classification (germline): Conflicting classifications of pathogenicity. Review status: criteria provided, conflicting classifications (1 of 4 stars). 2 submissions from 2 submitters: Uncertain significance (1); Likely benign (1). Last evaluated 2024-05-06.

Allele frequency attached by ClinVar (database versions not stated): gnomAD exomes 0.00001; ExAC 0.00004; gnomAD 0.00008; TOPMed 0.00009.
gnomAD v4.1: 21 of 1,613,726 alleles (0.0013%); highest among the groups gnomAD compares: African/African-American, 0.025%; no homozygotes.

Submissions (2):

GeneDx
Classification: Uncertain significance. Last evaluated: 2024-05-06. Review status: criteria provided, single submitter. Criteria: GeneDx Variant Classification Process June 2021. Collection method: clinical testing. Allele origin: germline. Affected: yes.
Comment: In silico analysis indicates that this missense variant does not alter protein structure/function; Has not been previously published as pathogenic or benign to our knowledge

Labcorp Genetics (formerly Invitae), Labcorp
Classification: Likely benign. Last evaluated: 2024-03-19. Review status: criteria provided, single submitter. Criteria: Invitae Variant Classification Sherloc (09022015). Collection method: clinical testing. Allele origin: germline.